The following is an entry in ClinVar:

ClinVar aggregate classification (germline): Pathogenic. Review status: criteria provided, multiple submitters, no conflicts (2 of 4 stars). 2 submissions from 2 submitters: Pathogenic (2). Last evaluated 2023-03-31.

Conditions:
Early-infantile DEE. Also called: Early infantile epileptic encephalopathy with suppression bursts; Early infantile epileptic encephalopathy; Ohtahara syndrome. Identifiers: Orphanet 1934, MedGen C0393706, MONDO:0800491.

Submissions (2):

Mayo Clinic Laboratories, Mayo Clinic
Classification: Pathogenic. Last evaluated: 2023-03-31. Review status: criteria provided, single submitter. Criteria: ACMG Guidelines, 2015. Collection method: clinical testing. Allele origin: germline. Observed: 1 variant allele.
Comment: PP4, PM2, PVS1

Labcorp Genetics (formerly Invitae), Labcorp
Classification: Pathogenic for Early-infantile DEE. Last evaluated: 2022-02-05. Review status: criteria provided, single submitter. Criteria: Invitae Variant Classification Sherloc (09022015). Collection method: clinical testing. Allele origin: germline.
Comment: Algorithms developed to predict the effect of sequence changes on RNA splicing suggest that this variant may create or strengthen a splice site. For these reasons, this variant has been classified as Pathogenic. This premature translational stop signal has been observed in individual(s) with epilepsy and/or neurodevelopmental disorder (PMID: 29655203). This variant is not present in population databases (gnomAD no frequency). This sequence change creates a premature translational stop signal (p.Trp360*) in the KCNQ2 gene. It is expected to result in an absent or disrupted protein product. Loss-of-function variants in KCNQ2 are known to be pathogenic (PMID: 14534157, 23692823, 27779742).

Literature cited by the submitters: PubMed 29655203 (cited by Mayo Clinic Laboratories, Mayo Clinic and Labcorp Genetics (formerly Invitae), Labcorp); PubMed 14534157 (cited by Labcorp Genetics (formerly Invitae), Labcorp); PubMed 23692823 (cited by Labcorp Genetics (formerly Invitae), Labcorp); PubMed 27779742 (cited by Labcorp Genetics (formerly Invitae), Labcorp).

NM_172107.4(KCNQ2):c.1079G>A (p.Trp360Ter)

Gene: KCNQ2 (potassium voltage-gated channel subfamily Q member 2; minus strand). Cytogenetic location: 20q13.33.
Variant type: single nucleotide variant.
Coding change: c.1079G>A on transcript NM_172107.4 (MANE Select); coding-DNA position 1079, G replaced by A.
Protein change: p.Trp360Ter; replaces tryptophan 360 with a stop codon.
Molecular consequence: nonsense.
Genome position (GRCh38, 1-based): chr20:63,433,848, C>T on the plus strand (G>A on the coding strand, the complement: KCNQ2 is on the minus strand). VCF-style: chr20-63433848-C-T. GRCh37 (hg19) VCF-style: chr20-62065201-C-T.
Other names: p.Trp360*; c.1079G>A, p.Trp360Ter (NM_004518.6, NM_172106.3, NM_172108.5 and 1 more transcripts); short protein forms W360*.
Identifiers: ClinVar variation 1357778 (VCV001357778.9), dbSNP rs796052644, ClinGen allele CA315424.